The following is an entry in ClinVar:

NM_004656.4(BAP1):c.2099G>C (p.Arg700Pro)

Gene: BAP1 (BRCA1 associated deubiquitinase 1; minus strand). Cytogenetic location: 3p21.1.
Variant type: single nucleotide variant.
Coding change: c.2099G>C on transcript NM_004656.4 (MANE Select); coding-DNA position 2099, G replaced by C.
Protein change: p.Arg700Pro; replaces arginine 700 with proline.
Molecular consequence: missense variant.
Genome position (GRCh38, 1-based): chr3:52,402,379, C>G on the plus strand (G>C on the coding strand, the complement: BAP1 is on the minus strand). VCF-style: chr3-52402379-C-G. GRCh37 (hg19) VCF-style: chr3-52436395-C-G.
Other names: c.2045G>C, p.Arg682Pro (NM_001410772.1); short protein forms R700P, R682P.
Identifiers: ClinVar variation 2115485 (VCV002115485.4), dbSNP rs1704985729, ClinGen allele CA353094370.

ClinVar aggregate classification (germline): Uncertain significance (1 of 4 stars; one submission).

Conditions:
BAP1-related tumor predisposition syndrome (TPDS1). Also called: BAP1 tumor predisposition syndrome; Tumor susceptibility linked to germline BAP1 mutations; COMMON Syndrome; TUMOR PREDISPOSITION SYNDROME 1. Identifiers: Orphanet 289539, MedGen C3280492, MONDO:0013692, OMIM 614327.

Submission:

Labcorp Genetics (formerly Invitae), Labcorp
Classification: Uncertain significance for BAP1-related tumor predisposition syndrome. Last evaluated: 2025-07-19. Review status: criteria provided, single submitter. Criteria: Invitae Variant Classification Sherloc (09022015). Collection method: clinical testing. Allele origin: germline.
Comment: This sequence change replaces arginine, which is basic and polar, with proline, which is neutral and non-polar, at codon 700 of the BAP1 protein (p.Arg700Pro). This variant is not present in population databases (gnomAD no frequency). This variant has not been reported in the literature in individuals affected with BAP1-related conditions. ClinVar contains an entry for this variant (Variation ID: 2115485). Invitae Evidence Modeling of protein sequence and biophysical properties (such as structural, functional, and spatial information, amino acid conservation, physicochemical variation, residue mobility, and thermodynamic stability) has been performed for this missense variant. However, the output from this modeling did not meet the statistical confidence thresholds required to predict the impact of this variant on BAP1 protein function. In summary, the available evidence is currently insufficient to determine the role of this variant in disease. Therefore, it has been classified as a Variant of Uncertain Significance.